The following is an entry in ClinVar:

ClinVar aggregate classification (germline): Uncertain significance (1 of 4 stars; one submission).

Allele frequency attached by ClinVar (database versions not stated): ExAC 0.00001; gnomAD 0.00001; gnomAD exomes 0.00001; TOPMed 0.00002; ESP Exome Variant Server 0.00015.
gnomAD v4.1: 14 of 1,614,052 alleles (0.00087%); highest among the groups gnomAD compares: African/African-American, 0.0027%; no homozygotes.

Submission:

Ambry Genetics
Classification: Uncertain significance. Last evaluated: 2024-02-27. Review status: criteria provided, single submitter. Criteria: Ambry Variant Classification Scheme 2023. Collection method: clinical testing. Allele origin: germline.
Comment: The p.P154T variant (also known as c.460C>A), located in coding exon 1 of the PALLD gene, results from a C to A substitution at nucleotide position 460. The proline at codon 154 is replaced by threonine, an amino acid with highly similar properties. This amino acid position is conserved. In addition, this alteration is predicted to be tolerated by in silico analysis. Since supporting evidence is limited at this time, the clinical significance of this alteration remains unclear.

NM_001166108.2(PALLD):c.460C>A (p.Pro154Thr)

Gene: PALLD (palladin, cytoskeletal associated protein; plus strand). Cytogenetic location: 4q32.3.
Variant type: single nucleotide variant.
Coding change: c.460C>A on transcript NM_001166108.2 (MANE Select); coding-DNA position 460, C replaced by A.
Protein change: p.Pro154Thr; replaces proline 154 with threonine.
Molecular consequence: missense variant.
Genome position (GRCh38, 1-based): chr4:168,511,964, C>A. VCF-style: chr4-168511964-C-A. GRCh37 (hg19) VCF-style: chr4-169433115-C-A.
Other names: c.460C>A, p.Pro154Thr (NM_016081.4); short protein forms P154T.
Identifiers: ClinVar variation 1741868 (VCV001741868.2), dbSNP rs148111638, ClinGen allele CA3135371.